The following is an entry in ClinVar:

ClinVar aggregate classification (germline): Uncertain significance (1 of 4 stars; one submission).

Submission:

GeneDx
Classification: Uncertain significance. Last evaluated: 2026-04-03. Review status: criteria provided, single submitter. Criteria: GeneDx Variant Classification Process June 2021. Collection method: clinical testing. Allele origin: germline.
Comment: In-frame deletion of 1 amino acid(s) in a non-repeat region; In silico analysis supports a deleterious effect on protein structure/function; Has not been previously published as pathogenic or benign to our knowledge

NM_005909.5(MAP1B):c.5228CTC[1] (p.Pro1744del)

Gene: MAP1B (microtubule associated protein 1B; plus strand). Cytogenetic location: 5q13.2.
Variant type: Microsatellite.
Coding change: c.5228CTC[1] on transcript NM_005909.5 (MANE Select); one copy of the 3-base unit CTC starting at c.5228; the reference has two copies in a row; one copy, 3 bases deleted.
Protein change: p.Pro1744del; deletes proline 1744.
Molecular consequence: inframe deletion.
Genome position (GRCh38, 1-based): chr5:72,198,586-72,198,588, CTC deleted; deleting any 3 consecutive bases within chr5:72,198,583-72,198,588 gives the same sequence; the position shown is the placement nearest the transcript's 3' end. VCF-style (leftmost placement, unchanged base first): chr5-72198582-TCTC-T. GRCh37 (hg19) VCF-style: chr5-71494409-TCTC-T.
Other names: c.4850CTC[1], p.Pro1618del (NM_001324255.2); short protein forms P1618del, P1744del.
Identifiers: ClinVar variation 5018089 (VCV005018089.1).